The following is an entry in ClinVar:

ClinVar aggregate classification (germline): Conflicting classifications of pathogenicity. Review status: criteria provided, conflicting classifications (1 of 4 stars). 7 submissions from 7 submitters: Pathogenic (1); Likely pathogenic (4); Uncertain significance (1). 1 of the submissions does not count toward it. Last evaluated 2025-09-10.

Conditions:
Mucopolysaccharidosis type 1. Also called: Mucopolysaccharidosis Type I; IDUA deficiency; MPS I. Identifiers: Orphanet 579, MedGen C0023786, MONDO:0001586.
Mucopolysaccharidosis, MPS-I-S. Also called: Scheie Syndrome; MPS V; MUCOPOLYSACCHARIDOSIS TYPE V; MUCOPOLYSACCHARIDOSIS TYPE IS. Identifiers: Orphanet 93474, MedGen C0026708, MONDO:0011760, OMIM 607016.
Hurler syndrome. Also called: Gargoylism, Hurler Syndrome; MUCOPOLYSACCHARIDOSIS TYPE IH; Severe MPS I (Hurler Syndrome). Identifiers: Orphanet 93473, MedGen C0086795, MONDO:0011758, OMIM 607014.
Mucopolysaccharidosis, MPS-I-H/S. Also called: Mucopolysaccharidosis type IH/S. Identifiers: Orphanet 93476, MedGen C0086431, MONDO:0011759, OMIM 607015.

Allele frequency attached by ClinVar (database versions not stated): TOPMed 0.00001; ExAC 0.00002; gnomAD exomes 0.00001.
gnomAD v4.1: 26 of 1,611,888 alleles (0.0016%); highest among the groups gnomAD compares: Non-Finnish European, 0.0018%; no homozygotes.

Submissions (7):

Labcorp Genetics (formerly Invitae), Labcorp
Classification: Pathogenic for Mucopolysaccharidosis type 1. Last evaluated: 2025-09-10. Review status: criteria provided, single submitter. Criteria: Invitae Variant Classification Sherloc (09022015). Collection method: clinical testing. Allele origin: germline.
Comment: This sequence change replaces tyrosine, which is neutral and polar, with cysteine, which is neutral and slightly polar, at codon 76 of the IDUA protein (p.Tyr76Cys). This variant is present in population databases (rs780165694, gnomAD 0.02%). This missense change has been observed in individual(s) with mucopolysaccharidosis type I (PMID: 21394825, 25009127; internal data). ClinVar contains an entry for this variant (Variation ID: 552686). Invitae Evidence Modeling of protein sequence and biophysical properties (such as structural, functional, and spatial information, amino acid conservation, physicochemical variation, residue mobility, and thermodynamic stability) indicates that this missense variant is expected to disrupt IDUA protein function with a positive predictive value of 95%. For these reasons, this variant has been classified as Pathogenic.

Women's Health and Genetics/Laboratory Corporation of America, LabCorp
Classification: Likely pathogenic for Mucopolysaccharidosis type 1. Last evaluated: 2025-08-29. Review status: criteria provided, single submitter. Criteria: LabCorp Variant Classification Summary - May 2015. Collection method: clinical testing. Allele origin: germline.
Comment: Variant summary: IDUA c.227A>G (p.Tyr76Cys) results in a non-conservative amino acid change in the encoded protein sequence. Algorithms developed to predict the effect of missense changes on protein structure and function all suggest that this variant is likely to be disruptive. The variant allele was found at a frequency of 1.2e-05 in 241606 control chromosomes. c.227A>G has been reported in the literature as a compound heterozygous genotype in at-least two individuals affected with Mucopolysaccharidosis type I (Scheie syndrome) and has been subsequently cited by others (example, Bertola_2011, Tylki-Szymanska_2010, Yu Lin_2015, Clarke_2019, internal data). These data indicate that the variant may be associated with disease. To our knowledge, no experimental evidence demonstrating an impact on protein function has been reported. The following publications have been ascertained in the context of this evaluation (PMID: 21394825, 31194252, 20217237, 25009127). ClinVar contains an entry for this variant (Variation ID: 552686). Based on the evidence outlined above, the variant was classified as likely pathogenic.

Natera, Inc.
Classification: Likely pathogenic for Mucopolysaccharidosis type I. Last evaluated: 2025-06-18. Review status: criteria provided, single submitter. Criteria: Natera Variant Classification Schema (03/2026). Collection method: clinical testing. Allele origin: germline.
Comment: The c.227A>G variant in IDUA is a missense variant predicted to cause substitution of tyrosine to cysteine at amino acid 76. This variant is rare in the general population with a frequency below the threshold expected for the associated phenotype(s). This variant has been observed in one or more individuals affected with the associated recessive disease, as either homozygous or compound heterozygous with a second variant (PMID: 25009127, 21394825, 31194252). This variant has been identified in one or more affected individuals with a phenotype highly consistent with the associated gene (PMID: 25009127, 21394825, 31194252). Computational prediction algorithms indicate this variant is likely to affect gene or protein function. Given the available evidence, this variant is classified as Likely Pathogenic.

Myriad Genetics, Inc.
Classification: Likely pathogenic for Mucopolysaccharidosis type 1. Last evaluated: 2025-05-09. Review status: criteria provided, single submitter. Criteria: Myriad Autosomal Dominant, Autosomal Recessive and X-Linked Classification Criteria (2023). Collection method: clinical testing. Allele origin: unknown.
Comment: NM_000203.3(IDUA):c.227A>G(Y76C) is a missense variant classified as likely pathogenic in the context of mucopolysaccharidosis type I. Y76C has been observed in cases with relevant disease (PMID: 21394825, 25009127, 31194252, 36299240). Relevant functional assessments of this variant are not available in the literature. Y76C has been observed in referenced population frequency databases. In summary, NM_000203.3(IDUA):c.227A>G(Y76C) is a missense variant that has been observed more frequently in cases with the relevant disease than in healthy populations. Please note: this variant was assessed in the context of healthy population screening.

Fulgent Genetics
Classification: Likely pathogenic for Hurler syndrome; Mucopolysaccharidosis, MPS-I-H/S; Mucopolysaccharidosis, MPS-I-S. Last evaluated: 2024-03-08. Review status: criteria provided, single submitter. Criteria: ACMG Guidelines, 2015. Collection method: clinical testing. Allele origin: germline.

Revvity Omics, Revvity
Classification: Uncertain significance. Last evaluated: 2021-03-17. Review status: criteria provided, single submitter. Criteria: ACMG Guidelines, 2015. Collection method: clinical testing. Allele origin: germline.

Counsyl
Classification: Uncertain significance for Hurler syndrome. Last evaluated: 2017-06-30. Review status: no assertion criteria provided. Collection method: clinical testing. Allele origin: unknown. Not counted in ClinVar's aggregate classification.

Literature cited by the submitters: PubMed 21394825 (cited by 5 submitters); PubMed 25009127 (cited by 4 submitters); PubMed 31194252 (cited by 3 submitters); PubMed 20217237 (cited by Women's Health and Genetics/Laboratory Corporation of America, LabCorp); PubMed 36299240 (cited by Myriad Genetics, Inc.).

NM_000203.5(IDUA):c.227A>G (p.Tyr76Cys)

Genes: IDUA (alpha-L-iduronidase; plus strand), SLC26A1 (solute carrier family 26 member 1; minus strand). Cytogenetic location: 4p16.3.
Variant type: single nucleotide variant.
Coding change: c.227A>G on transcript NM_000203.5 (MANE Select); coding-DNA position 227, A replaced by G.
Protein change: p.Tyr76Cys; replaces tyrosine 76 with cysteine.
Molecular consequence: missense variant. On other transcripts: 3 prime UTR variant (2), non-coding transcript variant (1), intron variant (1).
Genome position (GRCh38, 1-based): chr4:987,877, A>G. VCF-style: chr4-987877-A-G. GRCh37 (hg19) VCF-style: chr4-981665-A-G.
Other names: c.*956T>C (NM_022042.4, NM_213613.4); c.576+3251T>C (NM_134425.4); short protein forms Y76C.
Identifiers: ClinVar variation 552686 (VCV000552686.14), dbSNP rs780165694, ClinGen allele CA2801140.
Genomic context (GRCh38, chr4:987,877, plus strand): 5'-TGCCACACAGCCAGGCTGACCAGTACGTCCTCAGCTGGGACCAGCAGCTCAACCTCGCCT[A>G]TGTGGGCGCCGTCCCTCACCGCGGCATCAAGCAGGTCCGGACCCACTGGCTGCTGGAGCT-3'
Protein context (NP_000194.2, residues 66-86): LSWDQQLNLA[Tyr76Cys]VGAVPHRGIK